The following is an entry in ClinVar:

NM_001378609.3(OTOGL):c.4234A>G (p.Met1412Val)

Gene: OTOGL (otogelin like; plus strand). Cytogenetic location: 12q21.31.
Variant type: single nucleotide variant.
Coding change: c.4234A>G on transcript NM_001378609.3 (MANE Select); coding-DNA position 4234, A replaced by G.
Protein change: p.Met1412Val; replaces methionine 1412 with valine.
Molecular consequence: missense variant.
Genome position (GRCh38, 1-based): chr12:80,328,699, A>G. VCF-style: chr12-80328699-A-G. GRCh37 (hg19) VCF-style: chr12-80722479-A-G.
Other names: c.4099A>G, p.Met1367Val (NM_001368062.3); c.4234A>G, p.Met1412Val (NM_001378610.3, NM_173591.7); short protein forms M1403V, M1367V, M1412V.
Identifiers: ClinVar variation 504927 (VCV000504927.20), dbSNP rs774172292, ClinGen allele CA6701310.
Genomic context (GRCh38, chr12:80,328,699, plus strand): 5'-TGATTTACTCTTTTTTCCATGTAAAGGGTTGAAGGATGCTTGCCCTACTGCCCTAAAAAT[A>G]TGATCCTTGATGAGGTCACCCTCAAGTGTGTTTATCCACGAGACTGTAAGTGTGAACGTT-3'
Protein context (NP_001365538.2, residues 1402-1422): EGCLPYCPKN[Met1412Val]ILDEVTLKCV

ClinVar aggregate classification (germline): Conflicting classifications of pathogenicity. Review status: criteria provided, conflicting classifications (1 of 4 stars). 5 submissions from 5 submitters: Uncertain significance (3); Likely benign (2). Last evaluated 2026-08-25.

Conditions:
OTOGL-related disorder. Also called: OTOGL-related condition.
Autosomal recessive nonsyndromic hearing loss 84B. Also called: Deafness, autosomal recessive 84b. Identifiers: Orphanet 90636, MedGen C3554159, MONDO:0013984, OMIM 614944.

Allele frequency attached by ClinVar (database versions not stated): gnomAD 0.00002; gnomAD exomes 0.00006 and 0.00029; TOPMed 0.00012; ExAC 0.00023.

Submissions (5):

GeneDx
Classification: Uncertain significance. Last evaluated: 2026-08-25. Review status: criteria provided, single submitter. Criteria: GeneDx Variant Classification Process June 2021. Collection method: clinical testing. Allele origin: germline.
Comment: In silico analysis supports that this missense variant has a deleterious effect on protein structure/function; Has not been previously published as pathogenic or benign to our knowledge

PreventionGenetics, part of Exact Sciences
Classification: Likely benign for OTOGL-related condition. Last evaluated: 2026-04-28. Review status: criteria provided, single submitter. Criteria: ACMG Guidelines, 2015. Collection method: clinical testing. Allele origin: germline.
Comment: This variant is classified as likely benign based on ACMG/AMP sequence variant interpretation guidelines (Richards et al. 2015 PMID: 25741868, with internal and published modifications).

Labcorp Genetics (formerly Invitae), Labcorp
Classification: Likely benign. Last evaluated: 2024-10-23. Review status: criteria provided, single submitter. Criteria: Invitae Variant Classification Sherloc (09022015). Collection method: clinical testing. Allele origin: germline.

Baylor Genetics
Classification: Uncertain significance for Autosomal recessive nonsyndromic hearing loss 84B. Last evaluated: 2018-01-01. Review status: criteria provided, single submitter. Criteria: ACMG Guidelines, 2015. Collection method: clinical testing. Allele origin: maternal. Affected: yes.
Comment: This variant was determined to be of uncertain significance according to ACMG Guidelines, 2015 [PMID:25741868].

Laboratory for Molecular Medicine, Mass General Brigham Personalized Medicine
Classification: Uncertain significance. Last evaluated: 2016-06-28. Review status: criteria provided, single submitter. Criteria: LMM Criteria. Collection method: clinical testing. Allele origin: germline. Observed: 3 variant alleles.
Comment: The p.Met1403Val variant in OTOGL has been previously identified by our laborato ry in the heterozygous state in two siblings with hearing loss due to an alterna te genetic cause in another gene and a variant affecting the remaining copy of O TOGL has not bee identified. This variant has been identified in 0.24% (26/10930 ) of Latino chromosomes by the Exome Aggregation Consortium (ExAC; dbSNP rs774172292). Although this variant has been seen in th e general population, its frequency is not high enough to rule out a pathogenic role. Computational prediction tools and conservation analysis suggests that the variant may impact the protein, though this information is not predictive enoug h to determine pathogenicity. In summary, the clinical significance of the p.Met 1403Val variant is uncertain.